The following is an entry in ClinVar:

ClinVar aggregate classification (germline): Pathogenic. Review status: criteria provided, multiple submitters, no conflicts (2 of 4 stars). 13 submissions from 13 submitters: Pathogenic (12). 1 of the submissions does not count toward it. Last evaluated 2025-12-08.

Conditions:
ABCA4-related disorder. Also called: ABCA4-related condition; ABCA4-related disorders. Identifiers: MedGen CN239167.
Retinal dystrophy. Also called: Inherited retinal dystrophy. Identifiers: Orphanet 71862, MedGen C0854723, MeSH D058499, MONDO:0019118, HP:0000556.
Severe early-childhood-onset retinal dystrophy (STGD1). Also called: MACULAR DYSTROPHY WITH FLECKS, TYPE 1; STGD; Stargardt macular dystrophy; Juvenile onset macular degeneration; Stargardt disease 1. Identifiers: Orphanet 364055, Orphanet 827, MedGen C1855465, MeSH D000080362, MONDO:0009549, OMIM 248200.
Cone-rod dystrophy 3 (CORD3). Identifiers: Orphanet 1872, MedGen C1858806, MONDO:0011395, OMIM 604116.
Age related macular degeneration 2. Also called: MACULAR DEGENERATION, SENILE; MACULOPATHY, AGE-RELATED, 2; MACULOPATHY, AGE-RELATED. Identifiers: MedGen C3495438, MONDO:0007932, OMIM 153800.
Retinitis pigmentosa 19 (RP19). Also called: ABCA4-Related Retinitis Pigmentosa. Identifiers: Orphanet 791, MedGen C1866422, MONDO:0011137, OMIM 601718.
Abnormality of the eye. Identifiers: MedGen C4316870, HP:0000478.

Allele frequency attached by ClinVar (database versions not stated): gnomAD exomes 0.00001 and 0.00003; TOPMed 0.00002; ExAC 0.00003.
gnomAD v4.1: 39 of 1,614,036 alleles (0.0024%); highest among the groups gnomAD compares: South Asian, 0.0066%; no homozygotes.

Submissions (13):

PreventionGenetics, part of Exact Sciences
Classification: Pathogenic for ABCA4-related condition. Last evaluated: 2025-12-08. Review status: criteria provided, single submitter. Criteria: ACMG Guidelines, 2015. Collection method: clinical testing. Allele origin: germline.
Comment: The ABCA4 c.3259G>A variant is predicted to result in the amino acid substitution p.Glu1087Lys. This variant has been reported in the compound heterozygous state in many individuals with Stargardt disease or ABCA4-related retinal disease (Allikmets et al. 1997. PubMed ID: 9054934; Stone et al. 2017. PubMed ID: 28559085; Karali et al. 2022. PubMed ID: 36460718; Bianco et al. 2023. PubMed ID: 37498587). Individuals with this variant are reported to have severe phenotypes with an age of onset before 10 years (Fakin et al. 2016. PubMed ID: 27820952). A functional study using protein expression in cell culture found that p.Glu1087Lys substitution decreased protein expression and reduced protein activity (Curtis et al. 2020. PubMed ID: 32845050). This variant is reported in 0.0098% of alleles in individuals of South Asian descent in gnomAD and has been reported as pathogenic by many submitters to ClinVar. Taken together, this variant is interpreted as pathogenic.

Labcorp Genetics (formerly Invitae), Labcorp
Classification: Pathogenic. Last evaluated: 2025-07-28. Review status: criteria provided, single submitter. Criteria: Invitae Variant Classification Sherloc (09022015). Collection method: clinical testing. Allele origin: germline.
Comment: This sequence change replaces glutamic acid, which is acidic and polar, with lysine, which is basic and polar, at codon 1087 of the ABCA4 protein (p.Glu1087Lys). This variant is present in population databases (rs61751398, gnomAD 0.01%). This missense change has been observed in individual(s) with Stargardt disease, Leber congenital amaurosis, or cone-rod dystrophy (PMID: 9054934, 19265867, 22264887, 28559085, 30576320). In at least one individual the data is consistent with being in trans (on the opposite chromosome) from a pathogenic variant. ClinVar contains an entry for this variant (Variation ID: 99211). Invitae Evidence Modeling of protein sequence and biophysical properties (such as structural, functional, and spatial information, amino acid conservation, physicochemical variation, residue mobility, and thermodynamic stability) indicates that this missense variant is expected to disrupt ABCA4 protein function with a positive predictive value of 95%. Experimental studies are conflicting or provide insufficient evidence to determine the effect of this variant on ABCA4 function (PMID: 11017087). For these reasons, this variant has been classified as Pathogenic.

Dubai Health Genomic Medicine Center, Dubai Health
Classification: Pathogenic for Retinal dystrophy. Last evaluated: 2024-10-04. Review status: criteria provided, single submitter. Criteria: ACMG Guidelines, 2015. Collection method: research. Allele origin: germline. Affected: yes.
Comment: PS3,PM3,PM2,PP3,PM5

Blueprint Genetics
Classification: Pathogenic for ABCA4-related disorders. Last evaluated: 2024-08-29. Review status: criteria provided, single submitter. Criteria: ACMG Guidelines, 2015. Collection method: clinical testing. Allele origin: germline. Affected: yes. Observed: 5 variant alleles.

Fulgent Genetics
Classification: Pathogenic for Age related macular degeneration 2; Severe early-childhood-onset retinal dystrophy; Retinitis pigmentosa 19; Cone-rod dystrophy 3. Last evaluated: 2024-02-28. Review status: criteria provided, single submitter. Criteria: ACMG Guidelines, 2015. Collection method: clinical testing. Allele origin: germline.

3billion
Classification: Pathogenic for Retinitis pigmentosa 19. Last evaluated: 2022-01-03. Review status: criteria provided, single submitter. Criteria: ACMG Guidelines, 2015. Collection method: clinical testing. Allele origin: germline. Affected: yes. Observed: 1 homozygote.
Comment: Same nucleotide change resulting in same amino acid change has been previously reported as pathogenic/likely pathogenic with strong evidence (ClinVar ID: VCV000099211, PMID:9054934, PS1_S). A different missense change at the same codon has been reported as pathogenic/likely pathogenic with strong evidence (ClinVar ID: VCV000099212,VCV001068257, PMID:14517951,29925512, PM5_M). In silico tool predictions suggest damaging effect of the variant on gene or gene product (REVEL: 0.966, 3CNET: 0.994, PP3_P). A missense variant is a common mechanism associated with Retinitis pigmentosa 19 (PP2_P). It is observed at an extremely low frequency in the gnomAD v2.1.1 dataset (total allele frequency: 0.000012, PM2_M). Therefore, this variant is classified as pathogenic according to the recommendation of ACMG/AMP guideline.

GeneDx
Classification: Pathogenic. Last evaluated: 2021-11-12. Review status: criteria provided, single submitter. Criteria: GeneDx Variant Classification Process June 2021. Collection method: clinical testing. Allele origin: germline. Affected: yes.
Comment: Published functional studies suggest a damaging effect with reduced protein expression and decreased ATPase activity (Sun et al., 2000); In silico analysis supports that this missense variant has a deleterious effect on protein structure/function; This variant is associated with the following publications: (PMID: 12824224, 22264887, 20128570, 11328725, 11702214, 11017087, 23883535, 9054934, 14709597, 27820952, 32845050, 29925512, 30204727, 32619608, 28559085, 30576320, 19265867)

Kariminejad - Najmabadi Pathology & Genetics Center
Classification: Pathogenic for Abnormality of the eye. Last evaluated: 2021-07-10. Review status: criteria provided, single submitter. Criteria: ACMG Guidelines, 2015. Collection method: clinical testing. Allele origin: germline. Affected: yes.

Genetics and Molecular Pathology, SA Pathology
Classification: Pathogenic for Cone-rod dystrophy 3. Last evaluated: 2021-01-20. Review status: criteria provided, single submitter. Criteria: ACMG Guidelines, 2015. Collection method: clinical testing. Allele origin: germline. Affected: yes.

Centre for Mendelian Genomics, University Medical Centre Ljubljana
Classification: Pathogenic for Age related macular degeneration 2. Last evaluated: 2019-03-17. Review status: criteria provided, single submitter. Criteria: ACMG Guidelines, 2015. Collection method: clinical testing. Allele origin: unknown. Affected: yes.
Comment: This variant was classified as: Pathogenic. The following ACMG criteria were applied in classifying this variant: PS1,PM1,PM2,PM5,PP2,PP3. This variant was detected in homozygous state.

CeGaT Center for Human Genetics Tuebingen
Classification: Pathogenic. Last evaluated: 2019-03-01. Review status: criteria provided, single submitter. Criteria: CeGaT Center For Human Genetics Tuebingen Variant Classification Criteria Version 2. Collection method: clinical testing. Allele origin: germline. Affected: yes. Observed: 1 variant allele.

Institute of Human Genetics, Univ. Regensburg, Univ. Regensburg
Classification: Pathogenic for Retinal dystrophy. Last evaluated: 2017-01-01. Review status: criteria provided, single submitter. Criteria: ACMG Guidelines, 2015. Collection method: clinical testing. Allele origin: germline. Affected: yes.

Retina International
No classification provided. Review status: no classification provided. Collection method: not provided. Allele origin: not provided. Not counted in ClinVar's aggregate classification.

Literature cited by the submitters: PubMed 9054934 (cited by 3 submitters); PubMed 19265867 (cited by Labcorp Genetics (formerly Invitae), Labcorp); PubMed 22264887 (cited by Labcorp Genetics (formerly Invitae), Labcorp and Institute of Human Genetics, Univ. Regensburg, Univ. Regensburg); PubMed 28559085 (cited by Labcorp Genetics (formerly Invitae), Labcorp and Institute of Human Genetics, Univ. Regensburg, Univ. Regensburg); PubMed 30576320 (cited by Labcorp Genetics (formerly Invitae), Labcorp and Institute of Human Genetics, Univ. Regensburg, Univ. Regensburg); PubMed 11017087 (cited by Labcorp Genetics (formerly Invitae), Labcorp); PubMed 14517951 (cited by 3billion); PubMed 30204727 (cited by Institute of Human Genetics, Univ. Regensburg, Univ. Regensburg); PubMed 29925512 (cited by Institute of Human Genetics, Univ. Regensburg, Univ. Regensburg); PubMed 32845050 (cited by Institute of Human Genetics, Univ. Regensburg, Univ. Regensburg); PubMed 32619608 (cited by Institute of Human Genetics, Univ. Regensburg, Univ. Regensburg); PubMed 31964843 (cited by Institute of Human Genetics, Univ. Regensburg, Univ. Regensburg); PubMed 32307445 (cited by Institute of Human Genetics, Univ. Regensburg, Univ. Regensburg); PubMed 32531858 (cited by Institute of Human Genetics, Univ. Regensburg, Univ. Regensburg); PubMed 35119454 (cited by Institute of Human Genetics, Univ. Regensburg, Univ. Regensburg); PubMed 35260635 (cited by Institute of Human Genetics, Univ. Regensburg, Univ. Regensburg); PubMed 36460718 (cited by Institute of Human Genetics, Univ. Regensburg, Univ. Regensburg); PubMed 35076026 (cited by Institute of Human Genetics, Univ. Regensburg, Univ. Regensburg); PubMed 36672815 (cited by Institute of Human Genetics, Univ. Regensburg, Univ. Regensburg).

NM_000350.3(ABCA4):c.3259G>A (p.Glu1087Lys)

Gene: ABCA4 (ATP binding cassette subfamily A member 4; minus strand). Cytogenetic location: 1p22.1.
Variant type: single nucleotide variant.
Coding change: c.3259G>A on transcript NM_000350.3 (MANE Select); coding-DNA position 3259, G replaced by A.
Protein change: p.Glu1087Lys; replaces glutamic acid 1087 with lysine.
Molecular consequence: missense variant.
Genome position (GRCh38, 1-based): chr1:94,042,830, C>T on the plus strand (G>A on the coding strand, the complement: ABCA4 is on the minus strand). VCF-style: chr1-94042830-C-T. GRCh37 (hg19) VCF-style: chr1-94508386-C-T.
Other names: c.3037G>A, p.Glu1013Lys (NM_001425324.1); short protein forms E1087K, E1013K.
Identifiers: ClinVar variation 99211 (VCV000099211.81), dbSNP rs61751398, ClinGen allele CA227097.